The following is an entry in ClinVar:

NM_020533.3(MCOLN1):c.327C>G (p.Tyr109Ter)

Gene: MCOLN1 (mucolipin TRP cation channel 1; plus strand). Cytogenetic location: 19p13.2.
Variant type: single nucleotide variant.
Coding change: c.327C>G on transcript NM_020533.3 (MANE Select); coding-DNA position 327, C replaced by G.
Protein change: p.Tyr109Ter; replaces tyrosine 109 with a stop codon.
Molecular consequence: nonsense.
Genome position (GRCh38, 1-based): chr19:7,526,528, C>G. VCF-style: chr19-7526528-C-G. GRCh37 (hg19) VCF-style: chr19-7591414-C-G.
Other names: c.327C>G (NM_020533.2); short protein forms Y109*.
Identifiers: ClinVar variation 2107563 (VCV002107563.6), dbSNP rs2512469342, ClinGen allele CA403080834.
Genomic context (GRCh38, chr19:7,526,528, plus strand): 5'-GGCTGTGACATTCCGGGAAGAGAACACCATCGCCTTCCGACACCTCTTCCTGCTGGGCTA[C>G]TCGGACGGAGCGGATGACACCTTCGCAGCCTACACGCGGGAGCAGCTGTACCAGGCCATC-3'

ClinVar aggregate classification (germline): Pathogenic/Likely pathogenic. Review status: criteria provided, multiple submitters, no conflicts (2 of 4 stars). 2 submissions from 2 submitters: Pathogenic (1); Likely pathogenic (1). Last evaluated 2025-11-27.

Conditions:
Mucolipidosis type IV (ML4). Also called: ML IV. Identifiers: Orphanet 578, MedGen C0238286, MONDO:0009653, OMIM 252650.

Submissions (2):

Natera, Inc.
Classification: Likely pathogenic for Mucolipidosis type IV. Last evaluated: 2025-11-27. Review status: criteria provided, single submitter. Criteria: Natera Variant Classification Schema (03/2026). Collection method: clinical testing. Allele origin: germline.
Comment: The c.327C>G variant in MCOLN1 is a nonsense variant predicted to introduce a stop codon at amino acid 109. This variant is expected to result in nonsense mediated decay, truncation, or a dysfunctional protein product. This variant is rare in the general population with a frequency below the threshold expected for the associated phenotype(s). Given the available evidence, this variant is classified as Likely Pathogenic.

Labcorp Genetics (formerly Invitae), Labcorp
Classification: Pathogenic for Mucolipidosis type IV. Last evaluated: 2024-02-03. Review status: criteria provided, single submitter. Criteria: Invitae Variant Classification Sherloc (09022015). Collection method: clinical testing. Allele origin: germline.
Comment: This sequence change creates a premature translational stop signal (p.Tyr109*) in the MCOLN1 gene. It is expected to result in an absent or disrupted protein product. Loss-of-function variants in MCOLN1 are known to be pathogenic (PMID: 11030752, 11317355, 37972748). This variant is not present in population databases (gnomAD no frequency). This variant has not been reported in the literature in individuals affected with MCOLN1-related conditions. ClinVar contains an entry for this variant (Variation ID: 2107563). For these reasons, this variant has been classified as Pathogenic.

Literature cited by the submitters: PubMed 11030752 (cited by Labcorp Genetics (formerly Invitae), Labcorp); PubMed 11317355 (cited by Labcorp Genetics (formerly Invitae), Labcorp); PubMed 37972748 (cited by Labcorp Genetics (formerly Invitae), Labcorp).